The following is an entry in ClinVar:

ClinVar aggregate classification (germline): Uncertain significance. Review status: criteria provided, multiple submitters, no conflicts (2 of 4 stars). 2 submissions from 2 submitters: Uncertain significance (2). Last evaluated 2025-05-29.

Conditions:
Malignant hyperthermia, susceptibility to, 1 (MHS1). Also called: RYR1-Related Malignant Hyperthermia Susceptibility; Anesthesia related hyperthermia; Malignant hyperpyrexia; Fulminating hyperpyrexia; Pharmacogenic myopathy; Malignant hyperthermia suceptibility 1. Identifiers: Orphanet 423, MedGen C2930980, MONDO:0007783, OMIM 145600.

gnomAD v4.1: 1 of 1,613,692 alleles (0.000062%); no homozygotes.

Submissions (2):

GeneDx
Classification: Uncertain significance. Last evaluated: 2025-05-29. Review status: criteria provided, single submitter. Criteria: GeneDx Variant Classification Process June 2021. Collection method: clinical testing. Allele origin: germline. Affected: yes.
Comment: Not observed at significant frequency in large population cohorts (gnomAD); In silico analysis supports that this missense variant has a deleterious effect on protein structure/function; Has not been previously published as pathogenic or benign to our knowledge

All of Us Research Program, National Institutes of Health
Classification: Uncertain significance for Malignant hyperthermia, susceptibility to, 1. Last evaluated: 2023-03-09. Review status: criteria provided, single submitter. Criteria: ACMG Guidelines, 2015. Collection method: clinical testing. Allele origin: germline. Inheritance: Autosomal dominant inheritance. Observed: 1 variant allele, 1 heterozygote.
Comment: This missense variant replaces glycine with alanine at codon 1766 of the RYR1 protein. Computational prediction suggests that this variant may not impact protein structure and function (internally defined REVEL score threshold <= 0.5, PMID: 27666373). To our knowledge, functional studies have not been reported for this variant. This variant has not been reported in individuals affected with RYR1-related disorders in the literature. This variant has not been identified in the general population by the Genome Aggregation Database (gnomAD). The available evidence is insufficient to determine the role of this variant in disease conclusively. Therefore, this variant is classified as a Variant of Uncertain Significance.

This study involves interpretation of variants in research participants for the purpose of population health screening. Participant phenotype was not available at the time of variant classification. Additional details can be found in publication PMID: 35346344, PMCID: PMC8962531

NM_000540.3(RYR1):c.5297G>C (p.Gly1766Ala)

Gene: RYR1 (ryanodine receptor 1; plus strand). Cytogenetic location: 19q13.2.
Variant type: single nucleotide variant.
Coding change: c.5297G>C on transcript NM_000540.3 (MANE Select); coding-DNA position 5297, G replaced by C.
Protein change: p.Gly1766Ala; replaces glycine 1766 with alanine.
Molecular consequence: missense variant.
Genome position (GRCh38, 1-based): chr19:38,485,952, G>C. VCF-style: chr19-38485952-G-C. GRCh37 (hg19) VCF-style: chr19-38976592-G-C.
Other names: c.5297G>C, p.Gly1766Ala (NM_001042723.2); short protein forms G1766A.
Identifiers: ClinVar variation 3069787 (VCV003069787.2), dbSNP rs2514228945, ClinGen allele CA405654528.